The following is an entry in ClinVar:

ClinVar aggregate classification (germline): Uncertain significance (1 of 4 stars; one submission).

Conditions:
Cardiomyopathy (CMYO). Also called: Cardiomyopathies. Identifiers: Orphanet 167848, MedGen C0878544, MONDO:0004994, HP:0001638. Inheritance: Various modes of inheritance.

Submission:

Color Diagnostics, LLC DBA Color Health
Classification: Uncertain significance for Cardiomyopathy. Last evaluated: 2025-08-30. Review status: criteria provided, single submitter. Criteria: ACMG Guidelines, 2015. Collection method: clinical testing. Allele origin: germline.
Comment: This missense variant replaces isoleucine with methionine at codon 3284 of the RYR2 protein. Computational prediction is inconclusive regarding the impact of this variant on protein structure and function. To our knowledge, functional studies have not been reported for this variant. This variant has not been reported in individuals affected with RYR2-related disorders in the literature. This variant has not been identified in the general population by the Genome Aggregation Database (gnomAD). The available evidence is insufficient to determine the role of this variant in disease conclusively. Therefore, this variant is classified as a Variant of Uncertain Significance.

NM_001035.3(RYR2):c.9852A>G (p.Ile3284Met)

Gene: RYR2 (ryanodine receptor 2; plus strand). Cytogenetic location: 1q43.
Variant type: single nucleotide variant.
Coding change: c.9852A>G on transcript NM_001035.3 (MANE Select); coding-DNA position 9852, A replaced by G.
Protein change: p.Ile3284Met; replaces isoleucine 3284 with methionine.
Molecular consequence: missense variant.
Genome position (GRCh38, 1-based): chr1:237,707,220, A>G. VCF-style: chr1-237707220-A-G. GRCh37 (hg19) VCF-style: chr1-237870520-A-G.
Other names: short protein forms I3284M.
Identifiers: ClinVar variation 4757993 (VCV004757993.1).